The following is an entry in ClinVar:

ClinVar aggregate classification (germline): Uncertain significance (1 of 4 stars; one submission).

Conditions:
SEMA3G-related disorder. Also called: SEMA3G-related condition.

Submission:

PreventionGenetics, part of Exact Sciences
Classification: Uncertain significance for SEMA3G-related condition. Last evaluated: 2025-09-17. Review status: criteria provided, single submitter. Criteria: ACMG Guidelines, 2015. Collection method: clinical testing. Allele origin: germline.
Comment: The SEMA3G c.2149G>A variant is predicted to result in the amino acid substitution p.Ala717Thr. To our knowledge, this variant has not been reported in the literature. This variant is reported in 0.0062% of alleles in individuals of European (Non-Finnish) descent in gnomAD. At this time, the clinical significance of this variant is uncertain due to the absence of conclusive functional and genetic evidence.

NM_020163.3(SEMA3G):c.2149G>A (p.Ala717Thr)

Gene: SEMA3G (semaphorin 3G; minus strand). Cytogenetic location: 3p21.1.
Variant type: single nucleotide variant.
Coding change: c.2149G>A on transcript NM_020163.3 (MANE Select); coding-DNA position 2149, G replaced by A.
Protein change: p.Ala717Thr; replaces alanine 717 with threonine.
Molecular consequence: missense variant.
Genome position (GRCh38, 1-based): chr3:52,435,803, C>T on the plus strand (G>A on the coding strand, the complement: SEMA3G is on the minus strand). VCF-style: chr3-52435803-C-T. GRCh37 (hg19) VCF-style: chr3-52469819-C-T.
Other names: short protein forms A717T.
Identifiers: ClinVar variation 4979786 (VCV004979786.1).